The following is an entry in ClinVar:

ClinVar aggregate classification (germline): Conflicting classifications of pathogenicity. Review status: criteria provided, conflicting classifications (1 of 4 stars). 3 submissions from 3 submitters: Uncertain significance (2); Likely benign (1). Last evaluated 2025-05-15.

Conditions:
Hereditary cancer-predisposing syndrome. Also called: Tumor predisposition; Hereditary neoplastic syndrome; Neoplastic Syndromes, Hereditary; Hereditary Cancer Syndrome. Identifiers: Orphanet 140162, MedGen C0027672, MeSH D009386, MONDO:0015356.
Hereditary breast ovarian cancer syndrome. Also called: BRCA1- and BRCA2-Associated Hereditary Breast and Ovarian Cancer; Hereditary breast and ovarian cancer; Hereditary breast and/or ovarian cancer syndrome; Hereditary breast and ovarian cancer syndrome; Hereditary breast and ovarian cancer syndrome (HBOC); Breast and ovarian cancer. Identifiers: Orphanet 145, MedGen C0677776, MeSH D061325, MONDO:0003582. Disease mechanism: loss of function.

Allele frequency attached by ClinVar (database versions not stated): gnomAD exomes below 0.00001.
gnomAD v4.1: 1 of 1,614,046 alleles (0.000062%); highest among the groups gnomAD compares: Non-Finnish European, 0.000085%; no homozygotes.

Submissions (3):

Ambry Genetics
Classification: Likely benign for Hereditary cancer-predisposing syndrome. Last evaluated: 2025-05-15. Review status: criteria provided, single submitter. Criteria: Ambry Variant Classification Scheme 2023. Collection method: clinical testing. Allele origin: germline.

Labcorp Genetics (formerly Invitae), Labcorp
Classification: Uncertain significance for Hereditary breast ovarian cancer syndrome. Last evaluated: 2024-05-08. Review status: criteria provided, single submitter. Criteria: Invitae Variant Classification Sherloc (09022015). Collection method: clinical testing. Allele origin: germline.
Comment: This sequence change replaces glutamine, which is neutral and polar, with lysine, which is basic and polar, at codon 2859 of the BRCA2 protein (p.Gln2859Lys). This variant is not present in population databases (gnomAD no frequency). This variant has not been reported in the literature in individuals affected with BRCA2-related conditions. ClinVar contains an entry for this variant (Variation ID: 1495867). Advanced modeling of protein sequence and biophysical properties (such as structural, functional, and spatial information, amino acid conservation, physicochemical variation, residue mobility, and thermodynamic stability) performed at Invitae indicates that this missense variant is not expected to disrupt BRCA2 protein function with a negative predictive value of 95%. In summary, the available evidence is currently insufficient to determine the role of this variant in disease. Therefore, it has been classified as a Variant of Uncertain Significance.

GeneDx
Classification: Uncertain significance. Last evaluated: 2023-08-11. Review status: criteria provided, single submitter. Criteria: GeneDx Variant Classification Process June 2021. Collection method: clinical testing. Allele origin: germline. Affected: yes.
Comment: Not observed at significant frequency in large population cohorts (gnomAD); In silico analysis supports that this missense variant does not alter protein structure/function; Has not been previously published as pathogenic or benign to our knowledge; Also known as 8803C>A; This variant is associated with the following publications: (PMID: 12228710)

NM_000059.4(BRCA2):c.8575C>A (p.Gln2859Lys)

Gene: BRCA2 (BRCA2 DNA repair associated; plus strand). Cytogenetic location: 13q13.1.
Variant type: single nucleotide variant.
Coding change: c.8575C>A on transcript NM_000059.4 (MANE Select); coding-DNA position 8575, C replaced by A.
Protein change: p.Gln2859Lys; replaces glutamine 2859 with lysine.
Molecular consequence: missense variant.
Genome position (GRCh38, 1-based): chr13:32,371,043, C>A. VCF-style: chr13-32371043-C-A. GRCh37 (hg19) VCF-style: chr13-32945180-C-A.
Other names: short protein forms Q2859K.
Identifiers: ClinVar variation 1495867 (VCV001495867.12), dbSNP rs80359115, ClinGen allele CA387752824.